The following is an entry in ClinVar:

NM_000548.5(TSC2):c.4350C>T (p.Pro1450=)

Gene: TSC2 (TSC complex subunit 2; plus strand). Cytogenetic location: 16p13.3.
Variant type: single nucleotide variant.
Coding change: c.4350C>T on transcript NM_000548.5 (MANE Select); coding-DNA position 4350, C replaced by T.
Protein change: p.Pro1450=; no amino-acid change (proline 1450 retained).
Molecular consequence: synonymous variant.
Genome position (GRCh38, 1-based): chr16:2,084,572, C>T. VCF-style: chr16-2084572-C-T. GRCh37 (hg19) VCF-style: chr16-2134573-C-T.
Other names: c.4149C>T, p.Pro1383= (NM_001077183.3); c.4281C>T, p.Pro1427= (NM_001114382.3); c.4041C>T, p.Pro1347= (NM_001318827.2); c.4005C>T, p.Pro1335= (NM_001318829.2); c.3618C>T, p.Pro1206= (NM_001318831.2); c.4182C>T, p.Pro1394= (NM_001318832.2); c.4152C>T, p.Pro1384= (NM_001363528.2); c.4218C>T, p.Pro1406= (NM_001370404.1); and 1 more.
Identifiers: ClinVar variation 536031 (VCV000536031.16), dbSNP rs767996683, ClinGen allele CA050930.
Genomic context (GRCh38, chr16:2,084,572, plus strand): 5'-GTCGGCCTCGGGCGAAGACAGTCGGGGCCAGCCCGAGGGTCCCTTGCCTTCCAGCTCCCC[C>T]CGCTCGCCCAGTGGCCTCCGGCCCCGAGGTTACACCATCTCCGACTCGGCCCCATCACGC-3'
Protein context (NP_000539.2, residues 1440-1460): QPEGPLPSSS[Pro1450=]RSPSGLRPRG

ClinVar aggregate classification (germline): Benign/Likely benign. Review status: criteria provided, multiple submitters, no conflicts (2 of 4 stars). 4 submissions from 4 submitters: Benign (1); Likely benign (3). Last evaluated 2025-10-25.

Conditions:
Hereditary cancer-predisposing syndrome. Also called: Neoplastic Syndromes, Hereditary; Tumor predisposition; Hereditary Cancer Syndrome; Hereditary neoplastic syndrome. Identifiers: Orphanet 140162, MedGen C0027672, MeSH D009386, MONDO:0015356.
Tuberous sclerosis syndrome (TSC). Also called: Tuberous Sclerosis Complex; Tuberous sclerosis. Identifiers: Orphanet 805, MedGen C0041341, MONDO:0001734.
Tuberous sclerosis 2 (TSC2). Identifiers: Orphanet 805, MedGen C1860707, MONDO:0013199, OMIM 613254.

Allele frequency attached by ClinVar (database versions not stated): ExAC 0.00001; TOPMed 0.00002.
gnomAD v4.1: 8 of 1,607,654 alleles (0.0005%); highest among the groups gnomAD compares: African/African-American, 0.004%; no homozygotes.

Submissions (4):

Labcorp Genetics (formerly Invitae), Labcorp
Classification: Likely benign for Tuberous sclerosis 2. Last evaluated: 2025-10-25. Review status: criteria provided, single submitter. Criteria: Invitae Variant Classification Sherloc (09022015). Collection method: clinical testing. Allele origin: germline.

Color Diagnostics, LLC DBA Color Health
Classification: Likely benign for Tuberous sclerosis syndrome. Last evaluated: 2025-07-07. Review status: criteria provided, single submitter. Criteria: ACMG Guidelines, 2015. Collection method: clinical testing. Allele origin: germline.

Myriad Genetics, Inc.
Classification: Benign for Tuberous sclerosis 2. Last evaluated: 2025-06-03. Review status: criteria provided, single submitter. Criteria: Myriad Autosomal Dominant, Autosomal Recessive and X-Linked Classification Criteria (2023). Collection method: clinical testing. Allele origin: unknown.
Comment: This variant is considered benign. This variant is a silent/synonymous amino acid change and it is not expected to impact splicing.

Ambry Genetics
Classification: Likely benign for Hereditary cancer-predisposing syndrome. Last evaluated: 2022-07-30. Review status: criteria provided, single submitter. Criteria: Ambry Variant Classification Scheme 2023. Collection method: clinical testing. Allele origin: germline.